The following is an entry in ClinVar:

NM_001735.3(C5):c.3749C>A (p.Thr1250Lys)

Gene: C5 (complement C5; minus strand). Cytogenetic location: 9q33.2.
Variant type: single nucleotide variant.
Coding change: c.3749C>A on transcript NM_001735.3 (MANE Select); coding-DNA position 3749, C replaced by A.
Protein change: p.Thr1250Lys; replaces threonine 1250 with lysine.
Molecular consequence: missense variant.
Genome position (GRCh38, 1-based): chr9:120,976,815, G>T on the plus strand (C>A on the coding strand, the complement: C5 is on the minus strand). VCF-style: chr9-120976815-G-T. GRCh37 (hg19) VCF-style: chr9-123739093-G-T.
Other names: c.3767C>A, p.Thr1256Lys (NM_001317163.2); short protein forms T1250K, T1256K.
Identifiers: ClinVar variation 1005215 (VCV001005215.8), dbSNP rs966095081, ClinGen allele CA199347476.

ClinVar aggregate classification (germline): Uncertain significance (1 of 4 stars; one submission).

Allele frequency attached by ClinVar (database versions not stated): gnomAD exomes below 0.00001; TOPMed 0.00001.
gnomAD v4.1: 5 of 1,614,032 alleles (0.00031%); highest among the groups gnomAD compares: African/African-American, 0.0013%; no homozygotes.

Submission:

Labcorp Genetics (formerly Invitae), Labcorp
Classification: Uncertain significance. Last evaluated: 2022-02-05. Review status: criteria provided, single submitter. Criteria: Invitae Variant Classification Sherloc (09022015). Collection method: clinical testing. Allele origin: germline.
Comment: This variant has not been reported in the literature in individuals affected with C5-related conditions. In summary, the available evidence is currently insufficient to determine the role of this variant in disease. Therefore, it has been classified as a Variant of Uncertain Significance. Algorithms developed to predict the effect of missense changes on protein structure and function are either unavailable or do not agree on the potential impact of this missense change (SIFT: "Deleterious"; PolyPhen-2: "Probably Damaging"; Align-GVGD: "Class C15"). ClinVar contains an entry for this variant (Variation ID: 1005215). This variant is not present in population databases (gnomAD no frequency). This sequence change replaces threonine, which is neutral and polar, with lysine, which is basic and polar, at codon 1250 of the C5 protein (p.Thr1250Lys).